The following is an entry in ClinVar:

NM_022455.5(NSD1):c.5996T>C (p.Leu1999Pro)

Gene: NSD1 (nuclear receptor binding SET domain protein 1; plus strand). Cytogenetic location: 5q35.3.
Variant type: single nucleotide variant.
Coding change: c.5996T>C on transcript NM_022455.5 (MANE Select); coding-DNA position 5996, T replaced by C.
Protein change: p.Leu1999Pro; replaces leucine 1999 with proline.
Molecular consequence: missense variant.
Genome position (GRCh38, 1-based): chr5:177,282,568, T>C. VCF-style: chr5-177282568-T-C. GRCh37 (hg19) VCF-style: chr5-176709569-T-C.
Other names: c.5123T>C, p.Leu1708Pro (NM_001365684.2, NM_001409308.1, NM_001409309.1 and 1 more transcripts); c.5996T>C, p.Leu1999Pro (NM_001409301.1, NM_001409302.1, NM_001409303.1); c.5576T>C, p.Leu1859Pro (NM_001409304.1); c.5243T>C, p.Leu1748Pro (NM_001409305.1); c.5234T>C, p.Leu1745Pro (NM_001409306.1, NM_001409307.1); short protein forms L1999P, L1730P, L1708P, L1745P, L1859P, L1748P.
Identifiers: ClinVar variation 427023 (VCV000427023.2), dbSNP rs1085307903, ClinGen allele CA362315984.
Genomic context (GRCh38, chr5:177,282,568, plus strand): 5'-AAGAATGCAGAGCTCGAATTCGCTATGCTCAAGAACATGATATCACTAATTTCTATATGC[T>C]CACCCTAGACAAAGTAAGTAATGGGAAATGCTGTTTTCACTGTTACAAGATTGTAAATTT-3'
Protein context (NP_071900.2, residues 1989-2009): QEHDITNFYM[Leu1999Pro]TLDKDRIIDA

ClinVar aggregate classification (germline): Likely pathogenic (1 of 4 stars; one submission).

Submission:

GeneDx
Classification: Likely pathogenic. Last evaluated: 2015-08-19. Review status: criteria provided, single submitter. Criteria: GeneDx Variant Classification (06012015). Collection method: clinical testing. Allele origin: germline. Affected: yes.
Comment: The L1999P variant has not been published as a pathogenic variant, nor has it been reported as a benign polymorphism to our knowledge. The L1999P variant was not observed in approximately 6,500 individuals of European and African American ancestry in the NHLBI Exome Sequencing Project, indicating it is not a common benign variant in these populations. The L1999P variant is a semi-conservative amino acid substitution, which may impact secondary protein structure as these residues differ in some properties. This substitution occurs at a position that is conserved across species in the SET domain. In silico analysis is inconsistent in its predictions as to whether or not the variant is damaging to the protein structure/function. Missense variants in nearby residues (Y1997H, Y1997S, Y1997C, A2005Q, and A2009V) have been reported in the Human Gene Mutation Database in association with NSD1-related syndromes (Stenson et al., 2014), supporting the functional importance of this region of the protein. Therefore, this variant is a strong candidate for a pathogenic variant, however the possibility that it is a benign variant cannot be excluded.